The following is an entry in ClinVar:

ClinVar aggregate classification (germline): Uncertain significance (1 of 4 stars; one submission).

Conditions:
Inborn genetic diseases. Identifiers: MedGen C0950123, MeSH D030342.

Submission:

Ambry Genetics
Classification: Uncertain significance for Inborn genetic diseases. Last evaluated: 2026-08-07. Review status: criteria provided, single submitter. Criteria: Ambry Variant Classification Scheme 2023. Collection method: clinical testing. Allele origin: germline.
Comment: The p.G805V variant (also known as c.2414G>T) is located in coding exon 26 of the RTEL1 gene. The glycine at codon 805 is replaced by valine, an amino acid with dissimilar properties. This change occurs in the first base pair of coding exon 26. This amino acid position is conserved. In addition, this alteration is predicted to be tolerated by in silico analysis. Based on the available evidence, the clinical significance of this variant remains unclear.

NM_001283009.2(RTEL1):c.2414G>T (p.Gly805Val)

Genes: RTEL1 (regulator of telomere elongation helicase 1; plus strand), RTEL1-TNFRSF6B (RTEL1-TNFRSF6B readthrough (NMD candidate); plus strand). Cytogenetic location: 20q13.33.
Variant type: single nucleotide variant.
Coding change: c.2414G>T on transcript NM_001283009.2 (MANE Select); coding-DNA position 2414, G replaced by T.
Protein change: p.Gly805Val; replaces glycine 805 with valine.
Molecular consequence: missense variant. On other transcripts: non-coding transcript variant (1).
Genome position (GRCh38, 1-based): chr20:63,690,805, G>T. VCF-style: chr20-63690805-G-T. GRCh37 (hg19) VCF-style: chr20-62322158-G-T.
Other names: c.1745G>T, p.Gly582Val (NM_001283010.1); c.2414G>T, p.Gly805Val (NM_016434.4); c.2486G>T, p.Gly829Val (NM_032957.5); short protein forms G829V, G582V, G805V.
Identifiers: ClinVar variation 5028503 (VCV005028503.1).